The following is an entry in ClinVar:

ClinVar aggregate classification (germline): Likely pathogenic (1 of 4 stars; one submission).

Submission:

GeneDx
Classification: Likely pathogenic. Last evaluated: 2025-05-29. Review status: criteria provided, single submitter. Criteria: GeneDx Variant Classification Process June 2021. Collection method: clinical testing. Allele origin: germline.
Comment: Frameshift variant predicted to result in abnormal protein length as the last 389 amino acids are replaced with 21 different amino acids, and other similar variants have been reported in HGMD; Not observed at significant frequency in large population cohorts (gnomAD); Has not been previously published as pathogenic or benign to our knowledge

NM_001374353.1(GLI2):c.3541del (p.Leu1181fs)

Gene: GLI2 (GLI family zinc finger 2; plus strand). Cytogenetic location: 2q14.2.
Variant type: Deletion.
Coding change: c.3541del on transcript NM_001374353.1 (MANE Select); coding-DNA position 3541, one base deleted (C; older notation c.3541delC).
Protein change: p.Leu1181fs; shifts the reading frame from leucine 1181.
Molecular consequence: frameshift variant.
Genome position (GRCh38, 1-based): chr2:120,989,506, C deleted; the last of 2 consecutive C bases (chr2:120,989,505-120,989,506); deleting either gives the same sequence. VCF-style (leftmost placement, unchanged base first): chr2-120989504-GC-G. GRCh37 (hg19) VCF-style: chr2-121747080-GC-G.
Other names: c.3592del, p.Leu1198fs (NM_001371271.1, NM_005270.5); c.3166del, p.Leu1056fs (NM_001374354.1); short protein forms L1056fs, L1181fs, L1198fs.
Identifiers: ClinVar variation 3375584 (VCV003375584.2).